The following is an entry in ClinVar:

ClinVar aggregate classification (germline): Uncertain significance (1 of 4 stars; one submission).

Conditions:
Autosomal recessive limb-girdle muscular dystrophy type 2W (MDRCMTT). Also called: Muscular dystrophy, limb-girdle, type 2W; Muscular dystrophy, autosomal recessive, with cardiomyopathy and triangular tongue. Identifiers: MedGen C4225192, MONDO:0014788, OMIM 616827.

Allele frequency attached by ClinVar (database versions not stated): gnomAD 0.00003 and 0.00004; gnomAD exomes 0.00004 and 0.00005; TOPMed 0.00004; ExAC 0.00008; ESP Exome Variant Server 0.00008.
gnomAD v4.1: 66 of 1,579,970 alleles (0.0042%); highest among the groups gnomAD compares: Middle Eastern, 0.017%; no homozygotes.

Submission:

Labcorp Genetics (formerly Invitae), Labcorp
Classification: Uncertain significance for Autosomal recessive limb-girdle muscular dystrophy type 2W. Last evaluated: 2021-08-27. Review status: criteria provided, single submitter. Criteria: Invitae Variant Classification Sherloc (09022015). Collection method: clinical testing. Allele origin: germline.
Comment: This sequence change replaces arginine with tryptophan at codon 146 of the LIMS2 protein (p.Arg146Trp). The arginine residue is highly conserved and there is a moderate physicochemical difference between arginine and tryptophan. This variant is present in population databases (rs369430789, ExAC 0.02%). This variant has not been reported in the literature in individuals affected with LIMS2-related conditions. Algorithms developed to predict the effect of missense changes on protein structure and function are either unavailable or do not agree on the potential impact of this missense change (SIFT: "Tolerated"; PolyPhen-2: "Probably Damaging"; Align-GVGD: "Class C0"). In summary, the available evidence is currently insufficient to determine the role of this variant in disease. Therefore, it has been classified as a Variant of Uncertain Significance.

NM_001161403.3(LIMS2):c.370C>T (p.Arg124Trp)

Gene: LIMS2 (LIM zinc finger domain containing 2; minus strand). Cytogenetic location: 2q14.3.
Variant type: single nucleotide variant.
Coding change: c.370C>T on transcript NM_001161403.3 (MANE Select); coding-DNA position 370, C replaced by T.
Protein change: p.Arg124Trp; replaces arginine 124 with tryptophan.
Molecular consequence: missense variant. On other transcripts: 5 prime UTR variant (1).
Genome position (GRCh38, 1-based): chr2:127,643,062, G>A on the plus strand (C>T on the coding strand, the complement: LIMS2 is on the minus strand). VCF-style: chr2-127643062-G-A. GRCh37 (hg19) VCF-style: chr2-128400637-G-A.
Other names: c.436C>T, p.Arg146Trp (NM_001136037.4); c.355C>T, p.Arg119Trp (NM_001161404.2); c.-87C>T (NM_001256542.2); c.442C>T, p.Arg148Trp (NM_017980.5); short protein forms R124W, R146W, R148W, R119W.
Identifiers: ClinVar variation 643856 (VCV000643856.6), dbSNP rs369430789, ClinGen allele CA1863070.
Genomic context (GRCh38, chr2:127,643,062, plus strand): 5'-GGCACCGCTGGCAGATGTACTTGCCCAGGCCCTTGGCCTTCTCACGGTTGTGGCAAGGCC[G>A]GCAGAGATGCCTGCGGGAGGCGGGGGCATTAGGGGCAGAGCCCCCACTCCCACACAGCCT-3'
Protein context (NP_001154875.1, residues 114-134): FVKNAGRHLC[Arg124Trp]PCHNREKAKG